The following is an entry in ClinVar:

ClinVar aggregate classification (germline): Uncertain significance (1 of 4 stars; one submission).

Conditions:
Wiedemann-Steiner syndrome (WDSTS). Also called: Growth deficiency and mental retardation with facial dysmorphism. Identifiers: Orphanet 319182, MedGen C1854630, MONDO:0011518, OMIM 605130.

Submission:

Victorian Clinical Genetics Services, Murdoch Childrens Research Institute
Classification: Uncertain significance for Wiedemann-Steiner syndrome. Last evaluated: 2023-07-17. Review status: criteria provided, single submitter. Criteria: ACMG Guidelines, 2015. Collection method: clinical testing. Allele origin: germline. Inheritance: Autosomal dominant inheritance. Affected: yes.
Comment: Based on the classification scheme VCGS_Germline_v1.3.4, this variant is classified as VUS-3B. Following criteria are met: 0102 - Loss of function is a known mechanism of disease in this gene and is associated with Wiedemann-Steiner syndrome (MIM#605130). (I) 0107 - This gene is associated with autosomal dominant disease. (I) 0213 - In-frame insertion/deletion in a non-repetitive region that has low conservation. (SP) 0251 - This variant is heterozygous. (I) 0301 - Variant is absent from gnomAD (both v2 and v3). (SP) 0604 - Variant is not located in an established domain, motif, hotspot or informative constraint region. (I) 0705 - No comparable missense variants have previous evidence for pathogenicity. (I) 0807 - This variant has no previous evidence of pathogenicity. (I) 0905 - No published segregation evidence has been identified for this variant. (I) 1007 - No published functional evidence has been identified for this variant. (I) Legend: (SP) - Supporting pathogenic, (I) - Information, (SB) - Supporting benign

NM_001197104.2(KMT2A):c.10364_10375delinsAACACTATCAGCTTC (p.Leu3455_Asn3459delinsGlnHisTyrGlnLeuHis)

Gene: KMT2A (lysine methyltransferase 2A; plus strand). Cytogenetic location: 11q23.3.
Variant type: Indel.
Coding change: c.10364_10375delinsAACACTATCAGCTTC on transcript NM_001197104.2 (MANE Select); coding-DNA positions 10364 to 10375, TTCAGCATGTGA replaced by AACACTATCAGCTTC.
Protein change: p.Leu3455_Asn3459delinsGlnHisTyrGlnLeuHis.
Molecular consequence: inframe indel.
Genome position (GRCh38, 1-based): chr11:118,506,256-118,506,267, TTCAGCATGTGA replaced by AACACTATCAGCTTC. VCF-style: chr11-118506256-TTCAGCATGTGA-AACACTATCAGCTTC. GRCh37 (hg19) VCF-style: chr11-118376971-TTCAGCATGTGA-AACACTATCAGCTTC.
Other names: c.10364_10375delTTCAGCATGTGAinsAACACTATCAGCTTC, p.Leu3455_Asn3459delinsGlnHisTyrGlnLeuHis (NM_001197104.1); c.10454_10465delinsAACACTATCAGCTTC, p.Leu3485_Asn3489delinsGlnHisTyrGlnLeuHis (NM_001412597.1); c.10355_10366delinsAACACTATCAGCTTC, p.Leu3452_Asn3456delinsGlnHisTyrGlnLeuHis (NM_005933.4).
Identifiers: ClinVar variation 3254802 (VCV003254802.1), dbSNP rs2497029992.